The following is an entry in ClinVar:

NM_001122681.2(SH3BP2):c.566C>G (p.Pro189Arg)

Gene: SH3BP2 (SH3 domain binding protein 2; plus strand). Cytogenetic location: 4p16.3.
Variant type: single nucleotide variant.
Coding change: c.566C>G on transcript NM_001122681.2 (MANE Select); coding-DNA position 566, C replaced by G.
Protein change: p.Pro189Arg; replaces proline 189 with arginine.
Molecular consequence: missense variant.
Genome position (GRCh38, 1-based): chr4:2,827,654, C>G. VCF-style: chr4-2827654-C-G. GRCh37 (hg19) VCF-style: chr4-2829381-C-G.
Other names: c.650C>G, p.Pro217Arg (NM_001145855.2); c.737C>G, p.Pro246Arg (NM_001145856.2); c.566C>G, p.Pro189Arg (NM_003023.4); short protein forms P217R, P189R, P246R.
Identifiers: ClinVar variation 860147 (VCV000860147.8), dbSNP rs147001821, ClinGen allele CA2819242.
Genomic context (GRCh38, chr4:2,827,654, plus strand): 5'-CTCCCCATGCAGACTATGAGCACGACGATGAGGATGACTCCTACCTGGAGCCTGACTCCC[C>G]GGAGCCCGGAAGGCTTGAGGGTAGGTGGGGCGGGTGGGCCCGGGGAGCTCTGGGTGTGTA-3'
Protein context (NP_001116153.1, residues 179-199): EDDSYLEPDS[Pro189Arg]EPGRLEDALM

ClinVar aggregate classification (germline): Conflicting classifications of pathogenicity. Review status: criteria provided, conflicting classifications (1 of 4 stars). 2 submissions from 2 submitters: Uncertain significance (1); Likely benign (1). Last evaluated 2025-12-10.

Conditions:
Fibrous dysplasia of jaw (CRBM). Also called: Cherubism. Identifiers: Orphanet 184, MedGen C0008029, MONDO:0007315, OMIM 118400.

Allele frequency attached by ClinVar (database versions not stated): TOPMed 0.00014.
gnomAD v4.1: 227 of 1,452,174 alleles (0.016%); highest among the groups gnomAD compares: Non-Finnish European, 0.021%; no homozygotes.

Submissions (2):

Labcorp Genetics (formerly Invitae), Labcorp
Classification: Uncertain significance for Fibrous dysplasia of jaw. Last evaluated: 2025-12-10. Review status: criteria provided, single submitter. Criteria: Invitae Variant Classification Sherloc (09022015). Collection method: clinical testing. Allele origin: germline.
Comment: This sequence change replaces proline, which is neutral and non-polar, with arginine, which is basic and polar, at codon 189 of the SH3BP2 protein (p.Pro189Arg). This variant is present in population databases (rs147001821, gnomAD 0.02%). This variant has not been reported in the literature in individuals affected with SH3BP2-related conditions. ClinVar contains an entry for this variant (Variation ID: 860147). Invitae Evidence Modeling of protein sequence and biophysical properties (such as structural, functional, and spatial information, amino acid conservation, physicochemical variation, residue mobility, and thermodynamic stability) indicates that this missense variant is not expected to disrupt SH3BP2 protein function with a negative predictive value of 80%. In summary, the available evidence is currently insufficient to determine the role of this variant in disease. Therefore, it has been classified as a Variant of Uncertain Significance.

Blueprint Genetics
Classification: Likely benign. Last evaluated: 2023-02-23. Review status: criteria provided, single submitter. Criteria: ACMG Guidelines, 2015. Collection method: clinical testing. Allele origin: germline.